The following is an entry in ClinVar:

NM_024537.4(CARS2):c.1490T>C (p.Val497Ala)

Gene: CARS2 (cysteinyl-tRNA synthetase 2, mitochondrial; minus strand). Cytogenetic location: 13q34.
Variant type: single nucleotide variant.
Coding change: c.1490T>C on transcript NM_024537.4 (MANE Select); coding-DNA position 1490, T replaced by C.
Protein change: p.Val497Ala; replaces valine 497 with alanine.
Molecular consequence: missense variant. On other transcripts: non-coding transcript variant (2).
Genome position (GRCh38, 1-based): chr13:110,642,448, A>G on the plus strand (T>C on the coding strand, the complement: CARS2 is on the minus strand). VCF-style: chr13-110642448-A-G. GRCh37 (hg19) VCF-style: chr13-111294795-A-G.
Other names: c.704T>C, p.Val235Ala (NM_001352252.2); short protein forms V235A, V497A.
Identifiers: ClinVar variation 2170723 (VCV002170723.1), dbSNP rs140567973, ClinGen allele CA7051634.
Genomic context (GRCh38, chr13:110,642,448, plus strand): 5'-AGGAGCTGCTGCCGCCGGGCGTCCCCCGTGGCCTCGGGCATGGCCAGCGCAAACTGCCGG[A>G]CCTTCTGCCGGAACCGCACCAGCTCGTCCACCACACCATGCAAGGTAGCCTCGCTGCCGT-3'
Protein context (NP_078813.1, residues 487-507): VDELVRFRQK[Val497Ala]RQFALAMPEA

ClinVar aggregate classification (germline): Uncertain significance (1 of 4 stars; one submission).

Conditions:
Combined oxidative phosphorylation defect type 27. Also called: Combined oxidative phosphorylation deficiency 27. Identifiers: Orphanet 477774, MedGen C5567608, MONDO:0014728, OMIM 616672.

Allele frequency attached by ClinVar (database versions not stated): gnomAD exomes 0.00001; ExAC 0.00006; gnomAD 0.00006; TOPMed 0.00006; ESP Exome Variant Server 0.00023.
gnomAD v4.1: 18 of 1,607,802 alleles (0.0011%); highest among the groups gnomAD compares: African/African-American, 0.017%; no homozygotes.

Submission:

Labcorp Genetics (formerly Invitae), Labcorp
Classification: Uncertain significance for Combined oxidative phosphorylation defect type 27. Last evaluated: 2022-09-06. Review status: criteria provided, single submitter. Criteria: Invitae Variant Classification Sherloc (09022015). Collection method: clinical testing. Allele origin: germline.
Comment: This sequence change replaces valine, which is neutral and non-polar, with alanine, which is neutral and non-polar, at codon 497 of the CARS2 protein (p.Val497Ala). This variant is present in population databases (rs140567973, gnomAD 0.03%). This variant has not been reported in the literature in individuals affected with CARS2-related conditions. Algorithms developed to predict the effect of missense changes on protein structure and function (SIFT, PolyPhen-2, Align-GVGD) all suggest that this variant is likely to be disruptive. In summary, the available evidence is currently insufficient to determine the role of this variant in disease. Therefore, it has been classified as a Variant of Uncertain Significance.